The following is an entry in ClinVar:

ClinVar aggregate classification (germline): Uncertain significance. Review status: criteria provided, multiple submitters, no conflicts (2 of 4 stars). 2 submissions from 2 submitters: Uncertain significance (2). Last evaluated 2023-10-27.

Conditions:
Inborn genetic diseases. Identifiers: MedGen C0950123, MeSH D030342.
Achondrogenesis, type IA (ACG1A). Identifiers: Orphanet 932, Orphanet 93299, MedGen C0265273, MONDO:0008701, OMIM 200600.

Allele frequency attached by ClinVar (database versions not stated): ExAC 0.00001; gnomAD exomes 0.00001 and 0.00003; gnomAD 0.00010 and 0.00011; TOPMed 0.00019.
gnomAD v4.1: 36 of 1,613,912 alleles (0.0022%); highest among the groups gnomAD compares: African/African-American, 0.047%; no homozygotes.

Submissions (2):

Ambry Genetics
Classification: Uncertain significance for Inborn genetic diseases. Last evaluated: 2023-10-27. Review status: criteria provided, single submitter. Criteria: Ambry Variant Classification Scheme 2023. Collection method: clinical testing. Allele origin: germline.

Labcorp Genetics (formerly Invitae), Labcorp
Classification: Uncertain significance for Achondrogenesis, type IA. Last evaluated: 2022-09-12. Review status: criteria provided, single submitter. Criteria: Invitae Variant Classification Sherloc (09022015). Collection method: clinical testing. Allele origin: germline.
Comment: This sequence change replaces lysine with glutamic acid at codon 111 of the TRIP11 protein (p.Lys111Glu). The lysine residue is highly conserved and there is a small physicochemical difference between lysine and glutamic acid. This variant is present in population databases (rs776314213, gnomAD 0.03%). This variant has not been reported in the literature in individuals affected with TRIP11-related conditions. ClinVar contains an entry for this variant (Variation ID: 1489824). Advanced modeling of protein sequence and biophysical properties (such as structural, functional, and spatial information, amino acid conservation, physicochemical variation, residue mobility, and thermodynamic stability) performed at Invitae indicates that this missense variant is not expected to disrupt TRIP11 protein function. In summary, the available evidence is currently insufficient to determine the role of this variant in disease. Therefore, it has been classified as a Variant of Uncertain Significance.

NM_004239.4(TRIP11):c.331A>G (p.Lys111Glu)

Gene: TRIP11 (thyroid hormone receptor interactor 11; minus strand). Cytogenetic location: 14q32.12.
Variant type: single nucleotide variant.
Coding change: c.331A>G on transcript NM_004239.4 (MANE Select); coding-DNA position 331, A replaced by G.
Protein change: p.Lys111Glu; replaces lysine 111 with glutamic acid.
Molecular consequence: missense variant.
Genome position (GRCh38, 1-based): chr14:92,021,813, T>C on the plus strand (A>G on the coding strand, the complement: TRIP11 is on the minus strand). VCF-style: chr14-92021813-T-C. GRCh37 (hg19) VCF-style: chr14-92488157-T-C.
Other names: c.331A>G (NM_004239.3); c.328A>G, p.Lys110Glu (NM_001321851.1); short protein forms K110E, K111E.
Identifiers: ClinVar variation 1489824 (VCV001489824.6), dbSNP rs776314213, ClinGen allele CA7314208.